The following is an entry in ClinVar:

ClinVar aggregate classification (germline): Uncertain significance (1 of 4 stars; one submission).

Conditions:
MHC class II deficiency. Also called: BLS, TYPE II; Bare lymphocyte syndrome 2. Identifiers: Orphanet 572, MedGen C5447452, MONDO:0008855.

Allele frequency attached by ClinVar (database versions not stated): TOPMed 0.00002; gnomAD 0.00003.
gnomAD v4.1: 69 of 1,614,026 alleles (0.0043%); highest among the groups gnomAD compares: Non-Finnish European, 0.0053%; no homozygotes.

Submission:

Labcorp Genetics (formerly Invitae), Labcorp
Classification: Uncertain significance for MHC class II deficiency. Last evaluated: 2022-08-23. Review status: criteria provided, single submitter. Criteria: Invitae Variant Classification Sherloc (09022015). Collection method: clinical testing. Allele origin: germline.
Comment: This sequence change replaces arginine, which is basic and polar, with glutamine, which is neutral and polar, at codon 308 of the CIITA protein (p.Arg308Gln). This variant is present in population databases (rs780678285, gnomAD 0.003%). This variant has not been reported in the literature in individuals affected with CIITA-related conditions. ClinVar contains an entry for this variant (Variation ID: 1437201). Algorithms developed to predict the effect of missense changes on protein structure and function output the following: SIFT: "Tolerated"; PolyPhen-2: "Benign"; Align-GVGD: "Class C0". The glutamine amino acid residue is found in multiple mammalian species, which suggests that this missense change does not adversely affect protein function. In summary, the available evidence is currently insufficient to determine the role of this variant in disease. Therefore, it has been classified as a Variant of Uncertain Significance.

NM_000246.4(CIITA):c.923G>A (p.Arg308Gln)

Gene: CIITA (class II major histocompatibility complex transactivator; plus strand). Cytogenetic location: 16p13.13.
Variant type: single nucleotide variant.
Coding change: c.923G>A on transcript NM_000246.4 (MANE Select); coding-DNA position 923, G replaced by A.
Protein change: p.Arg308Gln; replaces arginine 308 with glutamine.
Molecular consequence: missense variant. On other transcripts: non-coding transcript variant (1).
Genome position (GRCh38, 1-based): chr16:10,903,881, G>A. VCF-style: chr16-10903881-G-A. GRCh37 (hg19) VCF-style: chr16-10997738-G-A.
Other names: c.926G>A, p.Arg309Gln (NM_001286402.1, NM_001379332.1); c.776G>A, p.Arg259Gln (NM_001286403.2, NM_001379331.1); c.779G>A, p.Arg260Gln (NM_001379330.1); c.923G>A, p.Arg308Gln (NM_001379333.1); c.854G>A, p.Arg285Gln (NM_001379334.1); short protein forms R309Q, R285Q, R259Q, R260Q, R308Q.
Identifiers: ClinVar variation 1437201 (VCV001437201.5), dbSNP rs780678285, ClinGen allele CA7899943.